The following is an entry in ClinVar:

NM_001330260.2(SCN8A):c.2835G>C (p.Met945Ile)

Gene: SCN8A (sodium voltage-gated channel alpha subunit 8; plus strand). Cytogenetic location: 12q13.13.
Variant type: single nucleotide variant.
Coding change: c.2835G>C on transcript NM_001330260.2 (MANE Select); coding-DNA position 2835, G replaced by C.
Protein change: p.Met945Ile; replaces methionine 945 with isoleucine.
Molecular consequence: missense variant.
Genome position (GRCh38, 1-based): chr12:51,765,961, G>C. VCF-style: chr12-51765961-G-C. GRCh37 (hg19) VCF-style: chr12-52159745-G-C.
Other names: c.2835G>C, p.Met945Ile (NM_001177984.3, NM_001369788.1, NM_014191.4); short protein forms M945I.
Identifiers: ClinVar variation 1016237 (VCV001016237.9), dbSNP rs1942831510, ClinGen allele CA384889428.

ClinVar aggregate classification (germline): Uncertain significance (1 of 4 stars; one submission).

Conditions:
Early-infantile DEE. Also called: Ohtahara syndrome; Early infantile epileptic encephalopathy with suppression bursts; Early infantile epileptic encephalopathy. Identifiers: Orphanet 1934, MedGen C0393706, MONDO:0800491.

Submission:

Labcorp Genetics (formerly Invitae), Labcorp
Classification: Uncertain significance for Early-infantile DEE. Last evaluated: 2020-03-08. Review status: criteria provided, single submitter. Criteria: Invitae Variant Classification Sherloc (09022015). Collection method: clinical testing. Allele origin: germline.
Comment: This sequence change replaces methionine with isoleucine at codon 945 of the SCN8A protein (p.Met945Ile). The methionine residue is highly conserved and there is a small physicochemical difference between methionine and isoleucine. This variant is not present in population databases (ExAC no frequency). This variant has not been reported in the literature in individuals with SCN8A-related conditions. Algorithms developed to predict the effect of missense changes on protein structure and function are either unavailable or do not agree on the potential impact of this missense change (SIFT: "Deleterious"; PolyPhen-2: "Probably Damaging"; Align-GVGD: "Class C0"). In summary, the available evidence is currently insufficient to determine the role of this variant in disease. Therefore, it has been classified as a Variant of Uncertain Significance.